The following is an entry in ClinVar:

ClinVar aggregate classification (germline): Uncertain significance (1 of 4 stars; one submission).

Conditions:
Primary ciliary dyskinesia. Also called: Ciliary dyskinesia. Identifiers: Orphanet 244, MedGen C0008780, MONDO:0016575, HP:0012265.

Allele frequency attached by ClinVar (database versions not stated): TOPMed 0.00002.
gnomAD v4.1: 18 of 1,536,012 alleles (0.0012%); highest among the groups gnomAD compares: Non-Finnish European, 0.0016%; no homozygotes.

Submission:

Labcorp Genetics (formerly Invitae), Labcorp
Classification: Uncertain significance for Primary ciliary dyskinesia. Last evaluated: 2021-08-31. Review status: criteria provided, single submitter. Criteria: Invitae Variant Classification Sherloc (09022015). Collection method: clinical testing. Allele origin: germline.
Comment: This sequence change replaces arginine with proline at codon 171 of the MCIDAS protein (p.Arg171Pro). The arginine residue is moderately conserved and there is a moderate physicochemical difference between arginine and proline. The frequency data for this variant in the population databases is considered unreliable, as metrics indicate insufficient coverage at this position in the ExAC database. This variant has not been reported in the literature in individuals affected with MCIDAS-related conditions. Algorithms developed to predict the effect of missense changes on protein structure and function output the following: SIFT: "Tolerated"; PolyPhen-2: "Benign"; Align-GVGD: "Class C0". The proline amino acid residue is found in multiple mammalian species, which suggests that this missense change does not adversely affect protein function. In summary, the available evidence is currently insufficient to determine the role of this variant in disease. Therefore, it has been classified as a Variant of Uncertain Significance.

NM_001190787.3(MCIDAS):c.512G>C (p.Arg171Pro)

Gene: MCIDAS (multiciliate differentiation and DNA synthesis associated cell cycle protein; minus strand). Cytogenetic location: 5q11.2.
Variant type: single nucleotide variant.
Coding change: c.512G>C on transcript NM_001190787.3 (MANE Select); coding-DNA position 512, G replaced by C.
Protein change: p.Arg171Pro; replaces arginine 171 with proline.
Molecular consequence: missense variant.
Genome position (GRCh38, 1-based): chr5:55,222,270, C>G on the plus strand (G>C on the coding strand, the complement: MCIDAS is on the minus strand). VCF-style: chr5-55222270-C-G. GRCh37 (hg19) VCF-style: chr5-54518098-C-G.
Other names: short protein forms R171P.
Identifiers: ClinVar variation 1009148 (VCV001009148.14), dbSNP rs1454466899, ClinGen allele CA359732592.